The following is an entry in ClinVar:

ClinVar aggregate classification (germline): Uncertain significance (1 of 4 stars; one submission).

Conditions:
Werner syndrome (WRN). Identifiers: Orphanet 902, MedGen C0043119, MONDO:0010196, OMIM 277700.

Allele frequency attached by ClinVar (database versions not stated): TOPMed below 0.00001; gnomAD 0.00001.
gnomAD v4.1: 1 of 1,613,788 alleles (0.000062%); highest among the groups gnomAD compares: Non-Finnish European, 0.000085%; no homozygotes.

Submission:

Labcorp Genetics (formerly Invitae), Labcorp
Classification: Uncertain significance for Werner syndrome. Last evaluated: 2020-09-10. Review status: criteria provided, single submitter. Criteria: Invitae Variant Classification Sherloc (09022015). Collection method: clinical testing. Allele origin: germline.
Comment: In summary, this variant is a rare missense change that is not predicted to affect protein function. There is no indication that it causes disease, but the available evidence is currently insufficient to prove that conclusively. Therefore, it has been classified as a Variant of Uncertain Significance. Algorithms developed to predict the effect of missense changes on protein structure and function output the following: (SIFT: "Tolerated"; PolyPhen-2: "Benign"; Align-GVGD: "Class C0"). The arginine amino acid residue is found in multiple mammalian species, suggesting that this missense change does not adversely affect protein function. These predictions have not been confirmed by published functional studies. This variant is not present in population databases (ExAC no frequency) and has not been reported in the literature in individuals with a WRN-related disease. This sequence change replaces lysine with arginine at codon 252 of the WRN protein (p.Lys252Arg). The lysine residue is moderately conserved and there is a small physicochemical difference between lysine and arginine.

NM_000553.6(WRN):c.755A>G (p.Lys252Arg)

Gene: WRN (WRN RecQ like helicase; plus strand). Cytogenetic location: 8p12.
Variant type: single nucleotide variant.
Coding change: c.755A>G on transcript NM_000553.6 (MANE Select); coding-DNA position 755, A replaced by G.
Protein change: p.Lys252Arg; replaces lysine 252 with arginine.
Molecular consequence: missense variant.
Genome position (GRCh38, 1-based): chr8:31,076,203, A>G. VCF-style: chr8-31076203-A-G. GRCh37 (hg19) VCF-style: chr8-30933719-A-G.
Other names: short protein forms K252R.
Identifiers: ClinVar variation 404047 (VCV000404047.3), dbSNP rs1060500077, ClinGen allele CA16612468.